The following is an entry in ClinVar:

ClinVar aggregate classification (germline): Uncertain significance. Review status: criteria provided, multiple submitters, no conflicts (2 of 4 stars). 2 submissions from 2 submitters: Uncertain significance (2). Last evaluated 2025-10-15.

Allele frequency attached by ClinVar (database versions not stated): gnomAD exomes 0.00001; gnomAD 0.00001; TOPMed 0.00002.
gnomAD v4.1: 15 of 1,613,990 alleles (0.00093%); highest among the groups gnomAD compares: Non-Finnish European, 0.0012%; no homozygotes.

Submissions (2):

Labcorp Genetics (formerly Invitae), Labcorp
Classification: Uncertain significance. Last evaluated: 2025-10-15. Review status: criteria provided, single submitter. Criteria: Invitae Variant Classification Sherloc (09022015). Collection method: clinical testing. Allele origin: germline.
Comment: This sequence change replaces serine, which is neutral and polar, with phenylalanine, which is neutral and non-polar, at codon 1109 of the TET2 protein (p.Ser1109Phe). This variant is present in population databases (no rsID available, gnomAD 0.007%). This variant has not been reported in the literature in individuals affected with TET2-related conditions. ClinVar contains an entry for this variant (Variation ID: 2220853). An algorithm developed to predict the effect of missense changes on protein structure and function (PolyPhen-2) suggests that this variant is likely to be disruptive. In summary, the available evidence is currently insufficient to determine the role of this variant in disease. Therefore, it has been classified as a Variant of Uncertain Significance.

Ambry Genetics
Classification: Uncertain significance. Last evaluated: 2022-03-23. Review status: criteria provided, single submitter. Criteria: Ambry Variant Classification Scheme 2023. Collection method: clinical testing. Allele origin: germline.

NM_001127208.3(TET2):c.3326C>T (p.Ser1109Phe)

Genes: TET2 (tet methylcytosine dioxygenase 2; plus strand), TET2-AS1 (TET2 antisense RNA 1; minus strand). Cytogenetic location: 4q24.
Variant type: single nucleotide variant.
Coding change: c.3326C>T on transcript NM_001127208.3 (MANE Select); coding-DNA position 3326, C replaced by T.
Protein change: p.Ser1109Phe; replaces serine 1109 with phenylalanine.
Molecular consequence: missense variant.
Genome position (GRCh38, 1-based): chr4:105,237,268, C>T. VCF-style: chr4-105237268-C-T. GRCh37 (hg19) VCF-style: chr4-106158425-C-T.
Other names: c.3326C>T, p.Ser1109Phe (NM_017628.4); short protein forms S1109F.
Identifiers: ClinVar variation 2220853 (VCV002220853.5), dbSNP rs1441492512, ClinGen allele CA357802956.